The following is an entry in ClinVar:

NM_006364.4(SEC23A):c.481A>G (p.Thr161Ala)

Gene: SEC23A (SEC23 homolog A, COPII component; minus strand). Cytogenetic location: 14q21.1.
Variant type: single nucleotide variant.
Coding change: c.481A>G on transcript NM_006364.4 (MANE Select); coding-DNA position 481, A replaced by G.
Protein change: p.Thr161Ala; replaces threonine 161 with alanine.
Molecular consequence: missense variant.
Genome position (GRCh38, 1-based): chr14:39,091,599, T>C on the plus strand (A>G on the coding strand, the complement: SEC23A is on the minus strand). VCF-style: chr14-39091599-T-C. GRCh37 (hg19) VCF-style: chr14-39560803-T-C.
Other names: short protein forms T161A.
Identifiers: ClinVar variation 2980323 (VCV002980323.3), dbSNP rs778781892, ClinGen allele CA7162132.

ClinVar aggregate classification (germline): Uncertain significance (1 of 4 stars; one submission).

Conditions:
Craniolenticulosutural dysplasia (CLSD). Also called: BOYADJIEV-JABS SYNDROME. Identifiers: Orphanet 50814, MedGen C1843042, MONDO:0011911, OMIM 607812.

Allele frequency attached by ClinVar (database versions not stated): gnomAD exomes below 0.00001; ExAC 0.00001; gnomAD 0.00001.
gnomAD v4.1: 7 of 1,613,804 alleles (0.00043%); highest among the groups gnomAD compares: South Asian, 0.0066%; no homozygotes.

Submission:

Labcorp Genetics (formerly Invitae), Labcorp
Classification: Uncertain significance for Craniolenticulosutural dysplasia. Last evaluated: 2023-02-04. Review status: criteria provided, single submitter. Criteria: Invitae Variant Classification Sherloc (09022015). Collection method: clinical testing. Allele origin: germline.
Comment: This sequence change replaces threonine, which is neutral and polar, with alanine, which is neutral and non-polar, at codon 161 of the SEC23A protein (p.Thr161Ala). In summary, the available evidence is currently insufficient to determine the role of this variant in disease. Therefore, it has been classified as a Variant of Uncertain Significance. Advanced modeling of protein sequence and biophysical properties (such as structural, functional, and spatial information, amino acid conservation, physicochemical variation, residue mobility, and thermodynamic stability) performed at Invitae indicates that this missense variant is not expected to disrupt SEC23A protein function. This variant has not been reported in the literature in individuals affected with SEC23A-related conditions. This variant is present in population databases (rs778781892, gnomAD 0.01%).